The following is an entry in ClinVar:

ClinVar aggregate classification (germline): Uncertain significance. Review status: criteria provided, multiple submitters, no conflicts (2 of 4 stars). 3 submissions from 3 submitters: Uncertain significance (3). Last evaluated 2022-01-12.

Conditions:
Fraser syndrome 2 (FRASRS2). Identifiers: MedGen C4540036, MONDO:0054738, OMIM 617666.
Isolated cryptophthalmia. Also called: Cryptophthalmos, unilateral or bilateral, isolated; ANKYLOBLEPHARON, SIMPLE. Identifiers: Orphanet 91396, MedGen C1852453, MONDO:0007410, OMIM 123570.

Allele frequency attached by ClinVar (database versions not stated): gnomAD 0.00001; TOPMed 0.00005; ExAC 0.00010; gnomAD exomes 0.00010.
gnomAD v4.1: 142 of 1,613,944 alleles (0.0088%); highest among the groups gnomAD compares: Middle Eastern, 0.016%; no homozygotes.

Submissions (3):

Fulgent Genetics
Classification: Uncertain significance for Isolated cryptophthalmia; Fraser syndrome 2. Last evaluated: 2022-01-12. Review status: criteria provided, single submitter. Criteria: ACMG Guidelines, 2015. Collection method: clinical testing. Allele origin: unknown.

Labcorp Genetics (formerly Invitae), Labcorp
Classification: Uncertain significance. Last evaluated: 2022-01-07. Review status: criteria provided, single submitter. Criteria: Invitae Variant Classification Sherloc (09022015). Collection method: clinical testing. Allele origin: germline.
Comment: This sequence change replaces alanine, which is neutral and non-polar, with threonine, which is neutral and polar, at codon 2481 of the FREM2 protein (p.Ala2481Thr). This variant is present in population databases (rs759338792, gnomAD 0.02%). This variant has not been reported in the literature in individuals affected with FREM2-related conditions. ClinVar contains an entry for this variant (Variation ID: 882780). Algorithms developed to predict the effect of missense changes on protein structure and function are either unavailable or do not agree on the potential impact of this missense change (SIFT: "Deleterious"; PolyPhen-2: "Possibly Damaging"; Align-GVGD: "Class C0"). In summary, the available evidence is currently insufficient to determine the role of this variant in disease. Therefore, it has been classified as a Variant of Uncertain Significance.

Illumina Laboratory Services, Illumina
Classification: Uncertain significance for Fraser syndrome 2. Last evaluated: 2018-01-13. Review status: criteria provided, single submitter. Criteria: ICSL Variant Classification Criteria 13 December 2019. Collection method: clinical testing. Allele origin: germline.

NM_207361.6(FREM2):c.7441G>A (p.Ala2481Thr)

Gene: FREM2 (FRAS1 related extracellular matrix 2; plus strand). Cytogenetic location: 13q13.3.
Variant type: single nucleotide variant.
Coding change: c.7441G>A on transcript NM_207361.6 (MANE Select); coding-DNA position 7441, G replaced by A.
Protein change: p.Ala2481Thr; replaces alanine 2481 with threonine.
Molecular consequence: missense variant.
Genome position (GRCh38, 1-based): chr13:38,859,512, G>A. VCF-style: chr13-38859512-G-A. GRCh37 (hg19) VCF-style: chr13-39433649-G-A.
Other names: short protein forms A2481T.
Identifiers: ClinVar variation 882780 (VCV000882780.7), dbSNP rs759338792, ClinGen allele CA6955861.